The following is an entry in ClinVar:

ClinVar aggregate classification (germline): Pathogenic (1 of 4 stars; one submission).

Conditions:
Myofibrillar myopathy 6. Identifiers: Orphanet 199340, MedGen C2751831, MONDO:0013061, OMIM 612954.
Dilated cardiomyopathy 1HH (CMD1HH). Identifiers: Orphanet 154, MedGen C3151293, MONDO:0013479, OMIM 613881.

Submission:

Labcorp Genetics (formerly Invitae), Labcorp
Classification: Pathogenic for Dilated cardiomyopathy 1HH; Myofibrillar myopathy 6. Last evaluated: 2024-08-04. Review status: criteria provided, single submitter. Criteria: Invitae Variant Classification Sherloc (09022015). Collection method: clinical testing. Allele origin: germline.
Comment: This sequence change creates a premature translational stop signal (p.Cys373Serfs*68) in the BAG3 gene. While this is not anticipated to result in nonsense mediated decay, it is expected to disrupt the last 203 amino acid(s) of the BAG3 protein. This variant is not present in population databases (gnomAD no frequency). This variant has not been reported in the literature in individuals affected with BAG3-related conditions. This variant disrupts a region of the BAG3 protein in which other variant(s) (p.Arg473*) have been determined to be pathogenic (PMID: 28436997, 32160020). This suggests that this is a clinically significant region of the protein, and that variants that disrupt it are likely to be disease-causing. For these reasons, this variant has been classified as Pathogenic.

Literature cited by the submitters: PubMed 28436997; PubMed 32160020.

NM_004281.4(BAG3):c.1118_1125del (p.Cys373fs)

Gene: BAG3 (BAG cochaperone 3; plus strand). Cytogenetic location: 10q26.11.
Variant type: Deletion.
Coding change: c.1118_1125del on transcript NM_004281.4 (MANE Select); coding-DNA positions 1118 to 1125, 8 bases deleted (GTCCTCCT; older notation c.1118_1125delGTCCTCCT).
Protein change: p.Cys373fs; shifts the reading frame from cysteine 373.
Molecular consequence: frameshift variant.
Genome position (GRCh38, 1-based): chr10:119,676,672-119,676,679, GTCCTCCT deleted; deleting any 8 consecutive bases within chr10:119,676,671-119,676,679 gives the same sequence; the c. name uses the placement nearest the transcript's 3' end. VCF-style (leftmost placement, unchanged base first): chr10-119676670-TTGTCCTCC-T. GRCh37 (hg19) VCF-style: chr10-121436182-TTGTCCTCC-T.
Other names: short protein forms C373fs.
Identifiers: ClinVar variation 3757522 (VCV003757522.2).